The following is an entry in ClinVar:

NM_000264.5(PTCH1):c.603T>A (p.His201Gln)

Gene: PTCH1 (patched 1; minus strand). Cytogenetic location: 9q22.32.
Variant type: single nucleotide variant.
Coding change: c.603T>A on transcript NM_000264.5 (MANE Select); coding-DNA position 603, T replaced by A.
Protein change: p.His201Gln; replaces histidine 201 with glutamine.
Molecular consequence: missense variant. On other transcripts: non-coding transcript variant (1).
Genome position (GRCh38, 1-based): chr9:95,482,185, A>T on the plus strand (T>A on the coding strand, the complement: PTCH1 is on the minus strand). VCF-style: chr9-95482185-A-T. GRCh37 (hg19) VCF-style: chr9-98244467-A-T.
Other names: c.405T>A, p.His135Gln (NM_001083602.3, NM_001354919.2); c.600T>A, p.His200Gln (NM_001083603.3); c.150T>A, p.His50Gln (NM_001083604.3, NM_001083605.3, NM_001083606.3 and 1 more transcripts); c.603T>A, p.His201Gln (NM_001354918.2); short protein forms H135Q, H200Q, H201Q, H50Q.
Identifiers: ClinVar variation 1714282 (VCV001714282.6), dbSNP rs2538247744, ClinGen allele CA374115123.

ClinVar aggregate classification (germline): Uncertain significance (1 of 4 stars; one submission).

Conditions:
Gorlin syndrome. Also called: Nevoid Basal Cell Carcinoma Syndrome; Basal cell nevus syndrome. Identifiers: Orphanet 377, MedGen C0004779, MONDO:0007187.

Submission:

Labcorp Genetics (formerly Invitae), Labcorp
Classification: Uncertain significance for Gorlin syndrome. Last evaluated: 2022-07-29. Review status: criteria provided, single submitter. Criteria: Invitae Variant Classification Sherloc (09022015). Collection method: clinical testing. Allele origin: germline.
Comment: In summary, the available evidence is currently insufficient to determine the role of this variant in disease. Therefore, it has been classified as a Variant of Uncertain Significance. Advanced modeling of protein sequence and biophysical properties (such as structural, functional, and spatial information, amino acid conservation, physicochemical variation, residue mobility, and thermodynamic stability) performed at Invitae indicates that this missense variant is not expected to disrupt PTCH1 protein function. This variant has not been reported in the literature in individuals affected with PTCH1-related conditions. This variant is not present in population databases (gnomAD no frequency). This sequence change replaces histidine, which is basic and polar, with glutamine, which is neutral and polar, at codon 201 of the PTCH1 protein (p.His201Gln).